The following is an entry in ClinVar:

NM_022765.4(MICAL1):c.1850G>A (p.Ser617Asn)

Gene: MICAL1 (microtubule associated monooxygenase, calponin and LIM domain containing 1; minus strand). Cytogenetic location: 6q21.
Variant type: single nucleotide variant.
Coding change: c.1850G>A on transcript NM_022765.4 (MANE Select); coding-DNA position 1850, G replaced by A.
Protein change: p.Ser617Asn; replaces serine 617 with asparagine.
Molecular consequence: missense variant.
Genome position (GRCh38, 1-based): chr6:109,448,208, C>T on the plus strand (G>A on the coding strand, the complement: MICAL1 is on the minus strand). VCF-style: chr6-109448208-C-T. GRCh37 (hg19) VCF-style: chr6-109769411-C-T.
Other names: c.1592G>A, p.Ser531Asn (NM_001159291.2); c.1907G>A, p.Ser636Asn (NM_001286613.2); short protein forms S531N, S617N, S636N.
Identifiers: ClinVar variation 1408261 (VCV001408261.7), dbSNP rs147165993, ClinGen allele CA3953205.

ClinVar aggregate classification (germline): Uncertain significance (1 of 4 stars; one submission).

Allele frequency attached by ClinVar (database versions not stated): gnomAD exomes 0.00001; ExAC 0.00002; gnomAD 0.00002 and 0.00003; ESP Exome Variant Server 0.00015.
gnomAD v4.1: 11 of 1,611,546 alleles (0.00068%); highest among the groups gnomAD compares: African/African-American, 0.0013%; no homozygotes.

Submission:

Labcorp Genetics (formerly Invitae), Labcorp
Classification: Uncertain significance. Last evaluated: 2022-12-03. Review status: criteria provided, single submitter. Criteria: Invitae Variant Classification Sherloc (09022015). Collection method: clinical testing. Allele origin: germline.
Comment: In summary, the available evidence is currently insufficient to determine the role of this variant in disease. Therefore, it has been classified as a Variant of Uncertain Significance. Algorithms developed to predict the effect of missense changes on protein structure and function output the following: SIFT: "Tolerated"; PolyPhen-2: "Benign"; Align-GVGD: "Class C0". The asparagine amino acid residue is found in multiple mammalian species, which suggests that this missense change does not adversely affect protein function. ClinVar contains an entry for this variant (Variation ID: 1408261). This variant has not been reported in the literature in individuals affected with MICAL1-related conditions. The frequency data for this variant in the population databases is considered unreliable, as metrics indicate poor data quality at this position in the gnomAD database. This sequence change replaces serine, which is neutral and polar, with asparagine, which is neutral and polar, at codon 636 of the MICAL1 protein (p.Ser636Asn).